The following is an entry in ClinVar:

ClinVar aggregate classification (germline): Uncertain significance (1 of 4 stars; one submission).

Submission:

Labcorp Genetics (formerly Invitae), Labcorp
Classification: Uncertain significance. Last evaluated: 2025-01-31. Review status: criteria provided, single submitter. Criteria: Invitae Variant Classification Sherloc (09022015). Collection method: clinical testing. Allele origin: germline.
Comment: This sequence change replaces cysteine, which is neutral and slightly polar, with arginine, which is basic and polar, at codon 953 of the ADAMTSL4 protein (p.Cys953Arg). This variant is not present in population databases (gnomAD no frequency). This variant has not been reported in the literature in individuals affected with ADAMTSL4-related conditions. Invitae Evidence Modeling of protein sequence and biophysical properties (such as structural, functional, and spatial information, amino acid conservation, physicochemical variation, residue mobility, and thermodynamic stability) has been performed for this missense variant. However, the output from this modeling did not meet the statistical confidence thresholds required to predict the impact of this variant on ADAMTSL4 protein function. In summary, the available evidence is currently insufficient to determine the role of this variant in disease. Therefore, it has been classified as a Variant of Uncertain Significance.

NM_019032.6(ADAMTSL4):c.2857T>C (p.Cys953Arg)

Gene: ADAMTSL4 (ADAMTS like 4; plus strand). Cytogenetic location: 1q21.2.
Variant type: single nucleotide variant.
Coding change: c.2857T>C on transcript NM_019032.6 (MANE Select); coding-DNA position 2857, T replaced by C.
Protein change: p.Cys953Arg; replaces cysteine 953 with arginine.
Molecular consequence: missense variant.
Genome position (GRCh38, 1-based): chr1:150,559,380, T>C. VCF-style: chr1-150559380-T-C. GRCh37 (hg19) VCF-style: chr1-150531856-T-C.
Other names: c.2740T>C, p.Cys914Arg (NM_001288607.2); c.2926T>C, p.Cys976Arg (NM_001288608.2); c.2857T>C, p.Cys953Arg (NM_001378596.1); short protein forms C914R, C953R, C976R.
Identifiers: ClinVar variation 3674932 (VCV003674932.2).